The following is an entry in ClinVar:

NM_019616.4(F7):c.446C>T (p.Ser149Phe)

Gene: F7 (coagulation factor VII; plus strand). Cytogenetic location: 13q34.
Variant type: single nucleotide variant.
Coding change: c.446C>T on transcript NM_019616.4 (MANE Select); coding-DNA position 446, C replaced by T.
Protein change: p.Ser149Phe; replaces serine 149 with phenylalanine.
Molecular consequence: missense variant. On other transcripts: non-coding transcript variant (1).
Genome position (GRCh38, 1-based): chr13:113,115,741, C>T. VCF-style: chr13-113115741-C-T. GRCh37 (hg19) VCF-style: chr13-113770055-C-T.
Other names: c.512C>T, p.Ser171Phe (NM_000131.5); c.260C>T, p.Ser87Phe (NM_001267554.2); short protein forms S171F, S149F, S87F.
Identifiers: ClinVar variation 4987040 (VCV004987040.1).

ClinVar aggregate classification (germline): Uncertain significance (1 of 4 stars; one submission).

Conditions:
F7-related disorder. Also called: F7-related condition.

gnomAD v4.1: 199 of 1,613,188 alleles (0.012%); highest among the groups gnomAD compares: African/African-American, 0.21%; no homozygotes.

Submission:

PreventionGenetics, part of Exact Sciences
Classification: Uncertain significance for F7-related condition. Last evaluated: 2026-09-08. Review status: criteria provided, single submitter. Criteria: ACMG Guidelines, 2015. Collection method: clinical testing. Allele origin: germline.
Comment: The F7 c.512C>T variant is predicted to result in the amino acid substitution p.Ser171Phe. On a different transcript (NM_001267554), this variant is referred to as c.260C>T (p.Ser87Phe). This variant was reported in individuals with Factor VII deficiency (Supplementary Table 3, Baz et al. 2021. PubMed ID: 34272389, Preisler et al. 2024. PubMed ID: 38397060). This variant is reported in 0.23% of alleles in individuals of African descent in gnomAD. At this time, the clinical significance of this variant is uncertain due to the absence of conclusive functional and genetic evidence.